The following is an entry in ClinVar:

ClinVar aggregate classification (germline): Likely benign (1 of 4 stars; one submission).

gnomAD v4.1: 1 of 1,614,078 alleles (0.000062%); no homozygotes.

Submission:

GeneDx
Classification: Likely benign. Last evaluated: 2017-10-24. Review status: criteria provided, single submitter. Criteria: GeneDx Variant Classification (06012015). Collection method: clinical testing. Allele origin: germline. Affected: yes.
Comment: This variant is considered likely benign or benign based on one or more of the following criteria: it is a conservative change, it occurs at a poorly conserved position in the protein, it is predicted to be benign by multiple in silico algorithms, and/or has population frequency not consistent with disease.

NM_004320.6(ATP2A1):c.1095+11G>C

Gene: ATP2A1 (ATPase sarcoplasmic/endoplasmic reticulum Ca2+ transporting 1; plus strand). Cytogenetic location: 16p11.2.
Variant type: single nucleotide variant.
Coding change: c.1095+11G>C on transcript NM_004320.6 (MANE Select); 11 bases into the intron after coding-DNA position 1095, G replaced by C.
Molecular consequence: intron variant.
Genome position (GRCh38, 1-based): chr16:28,888,964, G>C. VCF-style: chr16-28888964-G-C. GRCh37 (hg19) VCF-style: chr16-28900285-G-C.
Other names: c.1095+11G>C (NM_173201.5); c.720+11G>C (NM_001286075.2).
Identifiers: ClinVar variation 512788 (VCV000512788.1), dbSNP rs1555515768, ClinGen allele CA658798582.